The following is an entry in ClinVar:

ClinVar aggregate classification (germline): Uncertain significance (1 of 4 stars; one submission).

Submission:

GeneDx
Classification: Uncertain significance. Last evaluated: 2024-03-15. Review status: criteria provided, single submitter. Criteria: GeneDx Variant Classification Process June 2021. Collection method: clinical testing. Allele origin: germline. Affected: yes.
Comment: Frameshift variant predicted to result in protein truncation or nonsense mediated decay in a gene or region of a gene for which loss of function is not a well-established mechanism of disease; Not observed at significant frequency in large population cohorts (gnomAD); Has not been previously published as pathogenic or benign to our knowledge

NM_001105206.3(LAMA4):c.3626_3628delinsGG (p.Lys1209fs)

Gene: LAMA4 (laminin subunit alpha 4; minus strand). Cytogenetic location: 6q21.
Variant type: Indel.
Coding change: c.3626_3628delinsGG on transcript NM_001105206.3 (MANE Select); coding-DNA positions 3626 to 3628, AGA replaced by GG.
Protein change: p.Lys1209fs; shifts the reading frame from lysine 1209.
Molecular consequence: frameshift variant.
Genome position (GRCh38, 1-based): chr6:112,133,417-112,133,419, TCT replaced by CC on the plus strand (AGA replaced by GG on the coding strand, the reverse complement: LAMA4 is on the minus strand). VCF-style: chr6-112133417-TCT-CC. GRCh37 (hg19) VCF-style: chr6-112454619-TCT-CC.
Other names: c.3605_3607delinsGG, p.Lys1202fs (NM_001105207.3, NM_002290.5); c.3605_3607delAGAinsGG, p.Lys1202Argfs (NM_002290.3); short protein forms K1202fs, K1209fs.
Identifiers: ClinVar variation 3371089 (VCV003371089.1).